The following is an entry in ClinVar:

ClinVar aggregate classification (germline): Uncertain significance (1 of 4 stars; one submission).

Submission:

GeneDx
Classification: Uncertain significance. Last evaluated: 2025-09-15. Review status: criteria provided, single submitter. Criteria: GeneDx Variant Classification Process June 2021. Collection method: clinical testing. Allele origin: germline. Affected: yes.
Comment: Not observed at significant frequency in large population cohorts (gnomAD); In silico analysis supports that this missense variant has a deleterious effect on protein structure/function; Has not been previously published as pathogenic or benign to our knowledge

NM_170675.5(MEIS2):c.987T>A (p.Asn329Lys)

Gene: MEIS2 (Meis homeobox 2; minus strand). Cytogenetic location: 15q14.
Variant type: single nucleotide variant.
Coding change: c.987T>A on transcript NM_170675.5 (MANE Select); coding-DNA position 987, T replaced by A.
Protein change: p.Asn329Lys; replaces asparagine 329 with lysine.
Molecular consequence: missense variant. On other transcripts: non-coding transcript variant (1).
Genome position (GRCh38, 1-based): chr15:36,896,677, A>T on the plus strand (T>A on the coding strand, the complement: MEIS2 is on the minus strand). VCF-style: chr15-36896677-A-T. GRCh37 (hg19) VCF-style: chr15-37188878-A-T.
Other names: c.987T>A, p.Asn329Lys (NM_001220482.2, NM_170674.5, NM_170676.5 and 1 more transcripts); c.948T>A, p.Asn316Lys (NM_002399.4, NM_172315.3); c.723T>A, p.Asn241Lys (NM_172316.3); short protein forms N316K, N329K, N241K.
Identifiers: ClinVar variation 429478 (VCV000429478.3), dbSNP rs1131691404, ClinGen allele CA391926969.